The following is an entry in ClinVar:

NM_001286.5(CLCN6):c.1571T>C (p.Ile524Thr)

Gene: CLCN6 (chloride voltage-gated channel 6; plus strand). Cytogenetic location: 1p36.22.
Variant type: single nucleotide variant.
Coding change: c.1571T>C on transcript NM_001286.5 (MANE Select); coding-DNA position 1571, T replaced by C.
Protein change: p.Ile524Thr; replaces isoleucine 524 with threonine.
Molecular consequence: missense variant. On other transcripts: non-coding transcript variant (1).
Genome position (GRCh38, 1-based): chr1:11,834,280, T>C. VCF-style: chr1-11834280-T-C. GRCh37 (hg19) VCF-style: chr1-11894337-T-C.
Other names: c.1505T>C, p.Ile502Thr (NM_001256959.2); short protein forms I502T, I524T.
Identifiers: ClinVar variation 1353724 (VCV001353724.8), dbSNP rs1382356403, ClinGen allele CA338435769.

ClinVar aggregate classification (germline): Uncertain significance (1 of 4 stars; one submission).

Allele frequency attached by ClinVar (database versions not stated): gnomAD exomes below 0.00001.
gnomAD v4.1: 5 of 1,614,124 alleles (0.00031%); highest among the groups gnomAD compares: Middle Eastern, 0.033%; no homozygotes.

Submission:

Labcorp Genetics (formerly Invitae), Labcorp
Classification: Uncertain significance. Last evaluated: 2024-02-19. Review status: criteria provided, single submitter. Criteria: Invitae Variant Classification Sherloc (09022015). Collection method: clinical testing. Allele origin: germline.
Comment: This sequence change replaces isoleucine, which is neutral and non-polar, with threonine, which is neutral and polar, at codon 524 of the CLCN6 protein (p.Ile524Thr). This variant is present in population databases (no rsID available, gnomAD 0.0009%). This variant has not been reported in the literature in individuals affected with CLCN6-related conditions. ClinVar contains an entry for this variant (Variation ID: 1353724). An algorithm developed to predict the effect of missense changes on protein structure and function (PolyPhen-2) suggests that this variant is likely to be disruptive. In summary, the available evidence is currently insufficient to determine the role of this variant in disease. Therefore, it has been classified as a Variant of Uncertain Significance.